The following is an entry in ClinVar:

NM_006343.3(MERTK):c.2272C>T (p.Arg758Cys)

Gene: MERTK (MER proto-oncogene, tyrosine kinase; plus strand). Cytogenetic location: 2q13.
Variant type: single nucleotide variant.
Coding change: c.2272C>T on transcript NM_006343.3 (MANE Select); coding-DNA position 2272, C replaced by T.
Protein change: p.Arg758Cys; replaces arginine 758 with cysteine.
Molecular consequence: missense variant.
Genome position (GRCh38, 1-based): chr2:112,021,504, C>T. VCF-style: chr2-112021504-C-T. GRCh37 (hg19) VCF-style: chr2-112779081-C-T.
Other names: short protein forms R758C.
Identifiers: ClinVar variation 1358926 (VCV001358926.8), dbSNP rs200576584, ClinGen allele CA1831788.

ClinVar aggregate classification (germline): Uncertain significance. Review status: criteria provided, multiple submitters, no conflicts (2 of 4 stars). 3 submissions from 3 submitters: Uncertain significance (3). Last evaluated 2025-04-17.

Allele frequency attached by ClinVar (database versions not stated): ExAC 0.00004; gnomAD 0.00004 and 0.00007; gnomAD exomes 0.00004 and 0.00006; TOPMed 0.00005; 1000 Genomes Project 30x 0.00016; 1000 Genomes Project 0.00020.
gnomAD v4.1: 89 of 1,613,918 alleles (0.0055%); highest among the groups gnomAD compares: Middle Eastern, 0.033%; no homozygotes.

Submissions (3):

Dasa
Classification: Uncertain significance. Last evaluated: 2025-04-17. Review status: criteria provided, single submitter. Criteria: DASA Assertion Criteria. Collection method: clinical testing. Allele origin: germline.
Comment: NM_006343.3(MERTK):c.2272C>T (p.Arg758Cys) is a missense variant that results in the substitution of arginine with cysteine. This variant is rare in population databases. Computational prediction algorithms are consistent with a deleterious effect. The currently available literature and clinical evidence are not sufficient to establish a definitive association between this variant and the reported condition. Therefore, this variant is classified as a variant of uncertain significance.

Blueprint Genetics
Classification: Uncertain significance. Last evaluated: 2024-06-13. Review status: criteria provided, single submitter. Criteria: ACMG Guidelines, 2015. Collection method: clinical testing. Allele origin: germline.

Labcorp Genetics (formerly Invitae), Labcorp
Classification: Uncertain significance. Last evaluated: 2022-08-01. Review status: criteria provided, single submitter. Criteria: Invitae Variant Classification Sherloc (09022015). Collection method: clinical testing. Allele origin: germline.
Comment: This sequence change replaces arginine, which is basic and polar, with cysteine, which is neutral and slightly polar, at codon 758 of the MERTK protein (p.Arg758Cys). This variant is present in population databases (rs200576584, gnomAD 0.01%). This missense change has been observed in individual(s) with pheochromocytomas (PMID: 26700204). ClinVar contains an entry for this variant (Variation ID: 1358926). Algorithms developed to predict the effect of missense changes on protein structure and function (SIFT, PolyPhen-2, Align-GVGD) all suggest that this variant is likely to be disruptive. In summary, the available evidence is currently insufficient to determine the role of this variant in disease. Therefore, it has been classified as a Variant of Uncertain Significance.

Literature cited by the submitters: PubMed 26700204 (cited by Labcorp Genetics (formerly Invitae), Labcorp).